The following is an entry in ClinVar:

ClinVar aggregate classification (germline): Uncertain significance. Review status: criteria provided, multiple submitters, no conflicts (2 of 4 stars). 5 submissions from 5 submitters: Uncertain significance (5). Last evaluated 2025-09-04.

Conditions:
Hereditary cancer-predisposing syndrome. Also called: Neoplastic Syndromes, Hereditary; Tumor predisposition; Hereditary Cancer Syndrome; Hereditary neoplastic syndrome. Identifiers: Orphanet 140162, MedGen C0027672, MeSH D009386, MONDO:0015356.
Familial cancer of breast. Also called: BREAST CANCER, FAMILIAL; hereditary breast carcinoma; Hereditary breast cancer. Identifiers: Orphanet 227535, MedGen C0346153, MONDO:0016419, OMIM 114480. Disease mechanism: loss of function.

Allele frequency attached by ClinVar (database versions not stated): gnomAD 0.00001; gnomAD exomes 0.00001; TOPMed 0.00001; ExAC 0.00002.
gnomAD v4.1: 15 of 1,611,612 alleles (0.00093%); highest among the groups gnomAD compares: African/African-American, 0.0013%; no homozygotes.

Submissions (5):

Ambry Genetics
Classification: Uncertain significance for Hereditary cancer-predisposing syndrome. Last evaluated: 2025-09-04. Review status: criteria provided, single submitter. Criteria: Ambry Variant Classification Scheme 2023. Collection method: clinical testing. Allele origin: germline.
Comment: The p.L41V variant (also known as c.121C>G), located in coding exon 1 of the BARD1 gene, results from a C to G substitution at nucleotide position 121. The leucine at codon 41 is replaced by valine, an amino acid with highly similar properties. This variant was reported in 1/60,466 breast cancer cases and in 0/53,461 controls (Dorling et al. N Engl J Med. 2021 02;384:428-439). This amino acid position is well conserved in available vertebrate species. In addition, this alteration is predicted to be tolerated by in silico analysis. Since supporting evidence is limited at this time, the clinical significance of this alteration remains unclear.

Labcorp Genetics (formerly Invitae), Labcorp
Classification: Uncertain significance for Familial cancer of breast. Last evaluated: 2025-01-23. Review status: criteria provided, single submitter. Criteria: Invitae Variant Classification Sherloc (09022015). Collection method: clinical testing. Allele origin: germline.
Comment: This sequence change replaces leucine, which is neutral and non-polar, with valine, which is neutral and non-polar, at codon 41 of the BARD1 protein (p.Leu41Val). This variant is present in population databases (rs751665426, gnomAD 0.002%). This variant has not been reported in the literature in individuals affected with BARD1-related conditions. ClinVar contains an entry for this variant (Variation ID: 231270). An algorithm developed to predict the effect of missense changes on protein structure and function (PolyPhen-2) suggests that this variant¬†is likely to be tolerated. In summary, the available evidence is currently insufficient to determine the role of this variant in disease. Therefore, it has been classified as a Variant of Uncertain Significance.

Color Diagnostics, LLC DBA Color Health
Classification: Uncertain significance for Hereditary cancer-predisposing syndrome. Last evaluated: 2023-10-09. Review status: criteria provided, single submitter. Criteria: ACMG Guidelines, 2015. Collection method: clinical testing. Allele origin: germline.
Comment: This missense variant replaces leucine with valine at codon 41 of the BARD1 protein. Computational prediction suggests that this variant may not impact protein structure and function (internally defined REVEL score threshold <= 0.5, PMID: 27666373). To our knowledge, functional studies have not been reported for this variant. This variant has been reported in an individual affected with breast cancer (PMID: 33471991; Leiden Open Variation Database DB-ID BARD1_000486). This variant has been identified in 3/240266 chromosomes in the general population by the Genome Aggregation Database (gnomAD). The available evidence is insufficient to determine the role of this variant in disease conclusively. Therefore, this variant is classified as a Variant of Uncertain Significance.

GeneDx
Classification: Uncertain significance. Last evaluated: 2021-08-24. Review status: criteria provided, single submitter. Criteria: GeneDx Variant Classification Process June 2021. Collection method: clinical testing. Allele origin: germline. Affected: yes.
Comment: Not observed at significant frequency in large population cohorts (Lek et al., 2016); In silico analysis supports that this missense variant does not alter protein structure/function; Has not been previously published as pathogenic or benign to our knowledge; This variant is associated with the following publications: (PMID: 18480049)

Genetic Services Laboratory, University of Chicago
Classification: Uncertain significance. Last evaluated: 2019-12-26. Review status: criteria provided, single submitter. Criteria: ACMG Guidelines, 2015. Collection method: clinical testing. Allele origin: germline. Affected: no.
Comment: DNA sequence analysis of the BARD1 gene demonstrated a sequence change, c.121C>G, in exon 1 that results in an amino acid change, p.Leu41Val. This sequence change does not appear to have been previously described in patients with BARD1-related disorders and has been described in the gnomAD database with 3 individuals (dbSNP rs751665426). The p.Leu41Val change affects a moderately conserved amino acid residue located in a domain of the BARD1 protein that is not known to be functional. In-silico pathogenicity prediction tools (SIFT, PolyPhen2, Align GVGD, REVEL) provide contradictory results for the p.Leu41Val substitution. Due to these contrasting evidences and the lack of functional studies, the clinical significance of the p.Leu41Val change remains unknown at this time.

Literature cited by the submitters: PubMed 33471991 (cited by Ambry Genetics and Color Diagnostics, LLC DBA Color Health).

NM_000465.4(BARD1):c.121C>G (p.Leu41Val)

Gene: BARD1 (BRCA1 associated RING domain 1; minus strand). Cytogenetic location: 2q35.
Variant type: single nucleotide variant.
Coding change: c.121C>G on transcript NM_000465.4 (MANE Select); coding-DNA position 121, C replaced by G.
Protein change: p.Leu41Val; replaces leucine 41 with valine.
Molecular consequence: missense variant. On other transcripts: non-coding transcript variant (3).
Genome position (GRCh38, 1-based): chr2:214,809,449, G>C on the plus strand (C>G on the coding strand, the complement: BARD1 is on the minus strand). VCF-style: chr2-214809449-G-C. GRCh37 (hg19) VCF-style: chr2-215674173-G-C.
Other names: c.121C>G, p.Leu41Val (NM_001282543.2, NM_001282545.2, NM_001282548.2 and 1 more transcripts); short protein forms L41V.
Identifiers: ClinVar variation 231270 (VCV000231270.28), dbSNP rs751665426, ClinGen allele CA2090514.